The following is an entry in ClinVar:

ClinVar aggregate classification (germline): Uncertain significance. Review status: criteria provided, multiple submitters, no conflicts (2 of 4 stars). 2 submissions from 2 submitters: Uncertain significance (2). Last evaluated 2024-04-10.

Conditions:
Hereditary cancer-predisposing syndrome. Also called: Neoplastic Syndromes, Hereditary; Tumor predisposition; Hereditary Cancer Syndrome; Hereditary neoplastic syndrome. Identifiers: Orphanet 140162, MedGen C0027672, MeSH D009386, MONDO:0015356.
Familial cancer of breast. Also called: BREAST CANCER, FAMILIAL; Hereditary breast cancer; hereditary breast carcinoma. Identifiers: Orphanet 227535, MedGen C0346153, MONDO:0016419, OMIM 114480. Disease mechanism: loss of function.

Allele frequency attached by ClinVar (database versions not stated): TOPMed below 0.00001.

Submissions (2):

Labcorp Genetics (formerly Invitae), Labcorp
Classification: Uncertain significance for Familial cancer of breast. Last evaluated: 2024-04-10. Review status: criteria provided, single submitter. Criteria: Invitae Variant Classification Sherloc (09022015). Collection method: clinical testing. Allele origin: germline.
Comment: This sequence change replaces valine, which is neutral and non-polar, with glycine, which is neutral and non-polar, at codon 627 of the PALB2 protein (p.Val627Gly). This variant is not present in population databases (gnomAD no frequency). This variant has not been reported in the literature in individuals affected with PALB2-related conditions. ClinVar contains an entry for this variant (Variation ID: 820237). Advanced modeling of protein sequence and biophysical properties (such as structural, functional, and spatial information, amino acid conservation, physicochemical variation, residue mobility, and thermodynamic stability) performed at Invitae indicates that this missense variant is not expected to disrupt PALB2 protein function with a negative predictive value of 80%. In summary, the available evidence is currently insufficient to determine the role of this variant in disease. Therefore, it has been classified as a Variant of Uncertain Significance.

Ambry Genetics
Classification: Uncertain significance for Hereditary cancer-predisposing syndrome. Last evaluated: 2023-03-29. Review status: criteria provided, single submitter. Criteria: Ambry Variant Classification Scheme 2023. Collection method: clinical testing. Allele origin: germline.
Comment: The p.V627G variant (also known as c.1880T>G), located in coding exon 5 of the PALB2 gene, results from a T to G substitution at nucleotide position 1880. The valine at codon 627 is replaced by glycine, an amino acid with dissimilar properties. This amino acid position is well conserved in available vertebrate species. In addition, this alteration is predicted to be tolerated by in silico analysis. Since supporting evidence is limited at this time, the clinical significance of this alteration remains unclear.

NM_024675.4(PALB2):c.1880T>G (p.Val627Gly)

Gene: PALB2 (partner and localizer of BRCA2; minus strand). Cytogenetic location: 16p12.2.
Variant type: single nucleotide variant.
Coding change: c.1880T>G on transcript NM_024675.4 (MANE Select); coding-DNA position 1880, T replaced by G.
Protein change: p.Val627Gly; replaces valine 627 with glycine.
Molecular consequence: missense variant.
Genome position (GRCh38, 1-based): chr16:23,630,274, A>C on the plus strand (T>G on the coding strand, the complement: PALB2 is on the minus strand). VCF-style: chr16-23630274-A-C. GRCh37 (hg19) VCF-style: chr16-23641595-A-C.
Other names: short protein forms V627G.
Identifiers: ClinVar variation 820237 (VCV000820237.7), dbSNP rs1597090905, ClinGen allele CA395127651.